The following is an entry in ClinVar:

ClinVar aggregate classification (germline): Uncertain significance. Review status: criteria provided, multiple submitters, no conflicts (2 of 4 stars). 2 submissions from 2 submitters: Uncertain significance (2). Last evaluated 2025-10-25.

Conditions:
Inborn genetic diseases. Identifiers: MedGen C0950123, MeSH D030342.

gnomAD v4.1: 2 of 1,613,884 alleles (0.00012%); highest among the groups gnomAD compares: Non-Finnish European, 0.00017%; no homozygotes.

Submissions (2):

Dasa
Classification: Uncertain significance. Last evaluated: 2025-10-25. Review status: criteria provided, single submitter. Criteria: DASA Assertion Criteria. Collection method: clinical testing. Allele origin: germline.
Comment: NM_001020658.2(PUM1):c.635C>T (p.Ser212Leu) is a missense variant that results in the substitution of serine with leucine. This variant is rare in population databases. The currently available literature and clinical evidence are not sufficient to establish a definitive association between this variant and the reported condition. Therefore, this variant is classified as a variant of uncertain significance.

Ambry Genetics
Classification: Uncertain significance for Inborn genetic diseases. Last evaluated: 2024-10-19. Review status: criteria provided, single submitter. Criteria: Ambry Variant Classification Scheme 2023. Collection method: clinical testing. Allele origin: germline.

NM_001020658.2(PUM1):c.635C>T (p.Ser212Leu)

Gene: PUM1 (pumilio RNA binding family member 1; minus strand). Cytogenetic location: 1p35.2.
Variant type: single nucleotide variant.
Coding change: c.635C>T on transcript NM_001020658.2 (MANE Select); coding-DNA position 635, C replaced by T.
Protein change: p.Ser212Leu; replaces serine 212 with leucine.
Molecular consequence: missense variant.
Genome position (GRCh38, 1-based): chr1:31,005,938, G>A on the plus strand (C>T on the coding strand, the complement: PUM1 is on the minus strand). VCF-style: chr1-31005938-G-A. GRCh37 (hg19) VCF-style: chr1-31478785-G-A.
Other names: c.635C>T, p.Ser212Leu (NM_014676.3); short protein forms S212L.
Identifiers: ClinVar variation 3428415 (VCV003428415.3).